The following is an entry in ClinVar:

NM_000245.4(MET):c.262C>T (p.Pro88Ser)

Gene: MET (MET proto-oncogene, receptor tyrosine kinase; plus strand). Cytogenetic location: 7q31.2.
Variant type: single nucleotide variant.
Coding change: c.262C>T on transcript NM_000245.4 (MANE Select); coding-DNA position 262, C replaced by T.
Protein change: p.Pro88Ser; replaces proline 88 with serine.
Molecular consequence: missense variant. On other transcripts: intron variant (1).
Genome position (GRCh38, 1-based): chr7:116,699,346, C>T. VCF-style: chr7-116699346-C-T. GRCh37 (hg19) VCF-style: chr7-116339400-C-T.
Other names: c.262C>T, p.Pro88Ser (NM_001127500.3, NM_001324401.3); c.-91+26769C>T (NM_001324402.2); short protein forms P88S.
Identifiers: ClinVar variation 3395083 (VCV003395083.1).

ClinVar aggregate classification (germline): Uncertain significance (1 of 4 stars; one submission).

Conditions:
Hereditary cancer-predisposing syndrome. Also called: Hereditary Cancer Syndrome; Tumor predisposition; Hereditary neoplastic syndrome; Neoplastic Syndromes, Hereditary. Identifiers: Orphanet 140162, MedGen C0027672, MeSH D009386, MONDO:0015356.

Submission:

Ambry Genetics
Classification: Uncertain significance for Hereditary cancer-predisposing syndrome. Last evaluated: 2024-12-04. Review status: criteria provided, single submitter. Criteria: Ambry Variant Classification Scheme 2023. Collection method: clinical testing. Allele origin: germline.
Comment: The p.P88S variant (also known as c.262C>T), located in coding exon 1 of the MET gene, results from a C to T substitution at nucleotide position 262. The proline at codon 88 is replaced by serine, an amino acid with similar properties. This amino acid position is conserved. In addition, this alteration is predicted to be deleterious by in silico analysis. Based on the available evidence, the clinical significance of this variant remains unclear.